The following is an entry in ClinVar:

ClinVar aggregate classification (germline): Uncertain significance. Review status: criteria provided, multiple submitters, no conflicts (2 of 4 stars). 2 submissions from 2 submitters: Uncertain significance (2). Last evaluated 2025-11-03.

Conditions:
Hypertrophic cardiomyopathy. Also called: HYPERTROPHIC MYOCARDIOPATHY. Identifiers: Orphanet 217569, MedGen C0007194, MeSH D002312, MONDO:0005045, HP:0001639.

Allele frequency attached by ClinVar (database versions not stated): gnomAD exomes below 0.00001; ExAC 0.00001; gnomAD 0.00001.
gnomAD v4.1: 6 of 1,613,810 alleles (0.00037%); highest among the groups gnomAD compares: African/African-American, 0.008%; no homozygotes.

Submissions (2):

Labcorp Genetics (formerly Invitae), Labcorp
Classification: Uncertain significance for Hypertrophic cardiomyopathy. Last evaluated: 2025-11-03. Review status: criteria provided, single submitter. Criteria: Invitae Variant Classification Sherloc (09022015). Collection method: clinical testing. Allele origin: germline.
Comment: This sequence change replaces lysine, which is basic and polar, with glutamic acid, which is acidic and polar, at codon 117 of the MYOM1 protein (p.Lys117Glu). This variant is present in population databases (rs754680864, gnomAD 0.007%). This variant has not been reported in the literature in individuals affected with MYOM1-related conditions. ClinVar contains an entry for this variant (Variation ID: 2138913). An algorithm developed to predict the effect of missense changes on protein structure and function (PolyPhen-2) suggests that this variant is likely to be tolerated. In summary, the available evidence is currently insufficient to determine the role of this variant in disease. Therefore, it has been classified as a Variant of Uncertain Significance.

Ambry Genetics
Classification: Uncertain significance. Last evaluated: 2025-09-17. Review status: criteria provided, single submitter. Criteria: Ambry Variant Classification Scheme 2023. Collection method: clinical testing. Allele origin: germline.
Comment: The p.K117E variant (also known as c.349A>G), located in coding exon 2 of the MYOM1 gene, results from an A to G substitution at nucleotide position 349. The lysine at codon 117 is replaced by glutamic acid, an amino acid with similar properties. This amino acid position is conserved. In addition, the in silico prediction for this alteration is inconclusive. Since supporting evidence is limited at this time, the clinical significance of this alteration remains unclear.

NM_003803.4(MYOM1):c.349A>G (p.Lys117Glu)

Gene: MYOM1 (myomesin 1; minus strand). Cytogenetic location: 18p11.31.
Variant type: single nucleotide variant.
Coding change: c.349A>G on transcript NM_003803.4 (MANE Select); coding-DNA position 349, A replaced by G.
Protein change: p.Lys117Glu; replaces lysine 117 with glutamic acid.
Molecular consequence: missense variant.
Genome position (GRCh38, 1-based): chr18:3,193,900, T>C on the plus strand (A>G on the coding strand, the complement: MYOM1 is on the minus strand). VCF-style: chr18-3193900-T-C. GRCh37 (hg19) VCF-style: chr18-3193898-T-C.
Other names: c.349A>G, p.Lys117Glu (NM_019856.2); short protein forms K117E.
Identifiers: ClinVar variation 2138913 (VCV002138913.7), dbSNP rs754680864, ClinGen allele CA8875270.